The following is an entry in ClinVar:

NM_145290.4(ADGRA3):c.1542_1543inv (p.Val515Met)

Gene: ADGRA3 (adhesion G protein-coupled receptor A3; minus strand). Cytogenetic location: 4p15.2.
Variant type: Inversion.
Coding change: c.1542_1543inv on transcript NM_145290.4 (MANE Select).
Protein change: p.Val515Met; replaces valine 515 with methionine.
Molecular consequence: missense variant.
Genome position: GRCh38 VCF-style: chr4-22424253-CA-TG. GRCh37 (hg19) VCF-style: chr4-22425876-CA-TG.
Other names: short protein forms V515M.
Identifiers: ClinVar variation 1017157 (VCV001017157.8), ClinGen allele CA2499217192.

ClinVar aggregate classification (germline): Uncertain significance (1 of 4 stars; one submission).

Submission:

Labcorp Genetics (formerly Invitae), Labcorp
Classification: Uncertain significance. Last evaluated: 2021-08-05. Review status: criteria provided, single submitter. Criteria: Invitae Variant Classification Sherloc (09022015). Collection method: clinical testing. Allele origin: germline.
Comment: In summary, the available evidence is currently insufficient to determine the role of this variant in disease. Therefore, it has been classified as a Variant of Uncertain Significance. Experimental studies and prediction algorithms are not available or were not evaluated, and the effect of this variant on mRNA splicing is currently unknown. This variant has not been reported in the literature in individuals with ADGRA3-related conditions. The frequency data for this variant in the population databases is not available, as this variant may be reported as separate entries in the ExAC database. This sequence change replaces valine with methionine at codon 515 of the ADGRA3 protein (p.Val515Met). The valine residue is moderately conserved and there is a small physicochemical difference between valine and methionine.